The following is an entry in ClinVar:

ClinVar aggregate classification (germline): Uncertain significance (1 of 4 stars; one submission).

Submission:

Labcorp Genetics (formerly Invitae), Labcorp
Classification: Uncertain significance. Last evaluated: 2022-11-09. Review status: criteria provided, single submitter. Criteria: Invitae Variant Classification Sherloc (09022015). Collection method: clinical testing. Allele origin: germline.
Comment: This sequence change replaces threonine, which is neutral and polar, with serine, which is neutral and polar, at codon 1919 of the FN1 protein (p.Thr1919Ser). This variant is not present in population databases (gnomAD no frequency). This variant has not been reported in the literature in individuals affected with FN1-related conditions. Algorithms developed to predict the effect of missense changes on protein structure and function are either unavailable or do not agree on the potential impact of this missense change (SIFT: "Not Available"; PolyPhen-2: "Benign"; Align-GVGD: "Not Available"). In summary, the available evidence is currently insufficient to determine the role of this variant in disease. Therefore, it has been classified as a Variant of Uncertain Significance.

NM_212482.4(FN1):c.5755A>T (p.Thr1919Ser)

Gene: FN1 (fibronectin 1; minus strand). Cytogenetic location: 2q35.
Variant type: single nucleotide variant.
Coding change: c.5755A>T on transcript NM_212482.4 (MANE Select); coding-DNA position 5755, A replaced by T.
Protein change: p.Thr1919Ser; replaces threonine 1919 with serine.
Molecular consequence: missense variant.
Genome position (GRCh38, 1-based): chr2:215,376,630, T>A on the plus strand (A>T on the coding strand, the complement: FN1 is on the minus strand). VCF-style: chr2-215376630-T-A. GRCh37 (hg19) VCF-style: chr2-216241353-T-A.
Other names: c.5212A>T, p.Thr1738Ser (NM_212474.3, NM_212476.3, NM_001306131.2 and 2 more transcripts); c.5482A>T, p.Thr1828Ser (NM_212478.3, NM_001365518.2, NM_001365520.2 and 2 more transcripts); c.5755A>T, p.Thr1919Ser (NM_001306129.2); c.5485A>T, p.Thr1829Ser (NM_001306130.2, NM_001365517.2, NM_001365519.2 and 2 more transcripts); short protein forms T1738S, T1828S, T1919S, T1829S.
Identifiers: ClinVar variation 2813183 (VCV002813183.3), dbSNP rs2469428541, ClinGen allele CA350471659.